The following is an entry in ClinVar:

NM_001089.3(ABCA3):c.4213G>A (p.Ala1405Thr)

Gene: ABCA3 (ATP binding cassette subfamily A member 3; minus strand). Cytogenetic location: 16p13.3.
Variant type: single nucleotide variant.
Coding change: c.4213G>A on transcript NM_001089.3 (MANE Select); coding-DNA position 4213, G replaced by A.
Protein change: p.Ala1405Thr; replaces alanine 1405 with threonine.
Molecular consequence: missense variant.
Genome position (GRCh38, 1-based): chr16:2,281,173, C>T on the plus strand (G>A on the coding strand, the complement: ABCA3 is on the minus strand). VCF-style: chr16-2281173-C-T. GRCh37 (hg19) VCF-style: chr16-2331174-C-T.
Other names: c.4213G>A (NM_001089.2); short protein forms A1405T.
Identifiers: ClinVar variation 2144427 (VCV002144427.2), dbSNP rs144301862, ClinGen allele CA7840201.

ClinVar aggregate classification (germline): Uncertain significance. Review status: criteria provided, multiple submitters, no conflicts (2 of 4 stars). 2 submissions from 2 submitters: Uncertain significance (2). Last evaluated 2026-06-03.

Conditions:
ABCA3-related disorder. Also called: ABCA3-related condition.

Allele frequency attached by ClinVar (database versions not stated): 1000 Genomes Project 0.00020; TOPMed 0.00025; gnomAD 0.00029; 1000 Genomes Project 30x 0.00031; ESP Exome Variant Server 0.00038.
gnomAD v4.1: 80 of 1,613,698 alleles (0.005%); highest among the groups gnomAD compares: African/African-American, 0.076%; no homozygotes.

Submissions (2):

PreventionGenetics, part of Exact Sciences
Classification: Uncertain significance for ABCA3-related condition. Last evaluated: 2026-06-03. Review status: criteria provided, single submitter. Criteria: ACMG Guidelines, 2015. Collection method: clinical testing. Allele origin: germline.
Comment: The ABCA3 c.4213G>A variant is predicted to result in the amino acid substitution p.Ala1405Thr. To our knowledge, this variant has not been reported in the literature. This variant is reported in 0.080% of alleles in individuals of African descent in gnomAD. At this time, the clinical significance of this variant is uncertain due to the absence of conclusive functional and genetic evidence.

Labcorp Genetics (formerly Invitae), Labcorp
Classification: Uncertain significance. Last evaluated: 2022-02-22. Review status: criteria provided, single submitter. Criteria: Invitae Variant Classification Sherloc (09022015). Collection method: clinical testing. Allele origin: germline.
Comment: This sequence change replaces alanine, which is neutral and non-polar, with threonine, which is neutral and polar, at codon 1405 of the ABCA3 protein (p.Ala1405Thr). This variant is present in population databases (rs144301862, gnomAD 0.09%). This variant has not been reported in the literature in individuals affected with ABCA3-related conditions. Algorithms developed to predict the effect of missense changes on protein structure and function output the following: SIFT: "Tolerated"; PolyPhen-2: "Benign"; Align-GVGD: "Class C0". The threonine amino acid residue is found in multiple mammalian species, which suggests that this missense change does not adversely affect protein function. In summary, the available evidence is currently insufficient to determine the role of this variant in disease. Therefore, it has been classified as a Variant of Uncertain Significance.